The following is an entry in ClinVar:

ClinVar aggregate classification (germline): Uncertain significance (1 of 4 stars; one submission).

Allele frequency attached by ClinVar (database versions not stated): gnomAD exomes below 0.00001; ExAC 0.00001.
gnomAD v4.1: 3 of 1,614,194 alleles (0.00019%); highest among the groups gnomAD compares: Admixed American, 0.0017%; no homozygotes.

Submission:

Labcorp Genetics (formerly Invitae), Labcorp
Classification: Uncertain significance. Last evaluated: 2024-10-29. Review status: criteria provided, single submitter. Criteria: Invitae Variant Classification Sherloc (09022015). Collection method: clinical testing. Allele origin: germline.
Comment: This sequence change replaces valine, which is neutral and non-polar, with isoleucine, which is neutral and non-polar, at codon 644 of the NOTCH3 protein (p.Val644Ile). This variant is present in population databases (rs768216292, gnomAD 0.0009%). This variant has not been reported in the literature in individuals affected with NOTCH3-related conditions. ClinVar contains an entry for this variant (Variation ID: 1934828). Invitae Evidence Modeling of protein sequence and biophysical properties (such as structural, functional, and spatial information, amino acid conservation, physicochemical variation, residue mobility, and thermodynamic stability) indicates that this missense variant is not expected to disrupt NOTCH3 protein function with a negative predictive value of 95%. In summary, the available evidence is currently insufficient to determine the role of this variant in disease. Therefore, it has been classified as a Variant of Uncertain Significance.

NM_000435.3(NOTCH3):c.1930G>A (p.Val644Ile)

Gene: NOTCH3 (notch receptor 3; minus strand). Cytogenetic location: 19p13.12.
Variant type: single nucleotide variant.
Coding change: c.1930G>A on transcript NM_000435.3 (MANE Select); coding-DNA position 1930, G replaced by A.
Protein change: p.Val644Ile; replaces valine 644 with isoleucine.
Molecular consequence: missense variant.
Genome position (GRCh38, 1-based): chr19:15,186,899, C>T on the plus strand (G>A on the coding strand, the complement: NOTCH3 is on the minus strand). VCF-style: chr19-15186899-C-T. GRCh37 (hg19) VCF-style: chr19-15297710-C-T.
Other names: short protein forms V644I.
Identifiers: ClinVar variation 1934828 (VCV001934828.5), dbSNP rs768216292, ClinGen allele CA9263501.